The following is an entry in ClinVar:

NM_016188.5(ACTL6B):c.591C>A (p.Asp197Glu)

Gene: ACTL6B (actin like 6B; minus strand). Cytogenetic location: 7q22.1.
Variant type: single nucleotide variant.
Coding change: c.591C>A on transcript NM_016188.5 (MANE Select); coding-DNA position 591, C replaced by A.
Protein change: p.Asp197Glu; replaces aspartic acid 197 with glutamic acid.
Molecular consequence: missense variant. On other transcripts: non-coding transcript variant (1).
Genome position (GRCh38, 1-based): chr7:100,648,634, G>T on the plus strand (C>A on the coding strand, the complement: ACTL6B is on the minus strand). VCF-style: chr7-100648634-G-T. GRCh37 (hg19) VCF-style: chr7-100246257-G-T.
Other names: short protein forms D197E.
Identifiers: ClinVar variation 4085654 (VCV004085654.8).

ClinVar aggregate classification (germline): Uncertain significance (1 of 4 stars; one submission).

Submission:

CeGaT Center for Human Genetics Tuebingen
Classification: Uncertain significance. Last evaluated: 2025-08-01. Review status: criteria provided, single submitter. Criteria: CeGaT Center For Human Genetics Tuebingen Variant Classification Criteria Version 2. Collection method: clinical testing. Allele origin: germline. Affected: yes. Observed: 1 variant allele.
Comment: ACTL6B: PP3